The following is an entry in ClinVar:

ClinVar aggregate classification (germline): Benign (1 of 4 stars; one submission).

Conditions:
Tumor predisposition syndrome 2 (TPDS2). Also called: MBD4-ASSOCIATED NEOPLASIA SYNDROME; MBD4-Related Tumor Predisposition Syndrome; MBD4-associated neoplasia syndrome (MANS). Identifiers: Orphanet 661526, MedGen C5774186, MONDO:0859267, OMIM 619975.

Submission:

Myriad Genetics, Inc.
Classification: Benign for Tumor predisposition syndrome 2. Last evaluated: 2026-06-12. Review status: criteria provided, single submitter. Criteria: Myriad Autosomal Dominant, Autosomal Recessive and X-Linked Classification Criteria (2023). Collection method: clinical testing. Allele origin: unknown.
Comment: This variant is considered benign. This variant occurs in the non-coding 3' untranslated region of the gene, and is not expected to impact protein function.

NM_001276270.2(MBD4):c.*1A>C

Gene: MBD4 (methyl-CpG binding domain 4, DNA glycosylase; minus strand). Cytogenetic location: 3q21.3.
Variant type: single nucleotide variant.
Coding change: c.*1A>C on transcript NM_001276270.2 (MANE Select); 1 bases downstream of the stop codon, A replaced by C.
Molecular consequence: 3 prime UTR variant.
Genome position (GRCh38, 1-based): chr3:129,431,500, T>G on the plus strand (A>C on the coding strand, the complement: MBD4 is on the minus strand). VCF-style: chr3-129431500-T-G. GRCh37 (hg19) VCF-style: chr3-129150343-T-G.
Other names: c.*68A>C (NM_001276272.2); c.*1A>C (NM_001276273.2, NM_003925.3).
Identifiers: ClinVar variation 4875921 (VCV004875921.1).